The following is an entry in ClinVar:

ClinVar aggregate classification (germline): Uncertain significance. Review status: criteria provided, multiple submitters, no conflicts (2 of 4 stars). 2 submissions from 2 submitters: Uncertain significance (2). Last evaluated 2022-05-16.

Conditions:
Mitochondrial DNA depletion syndrome 13. Also called: FBXL4-Related Encephalomyopathic Mitochondrial DNA Depletion Syndrome; Mitochondrial DNA depletion syndrome 13 (encephalomyopathic type). Identifiers: Orphanet 369897, MedGen C3809592, MONDO:0014198, OMIM 615471.

Allele frequency attached by ClinVar (database versions not stated): TOPMed 0.00001; ExAC 0.00002; gnomAD exomes 0.00002 and 0.00005; gnomAD 0.00003.
gnomAD v4.1: 71 of 1,604,144 alleles (0.0044%); highest among the groups gnomAD compares: Non-Finnish European, 0.0059%; no homozygotes.

Submissions (2):

Labcorp Genetics (formerly Invitae), Labcorp
Classification: Uncertain significance. Last evaluated: 2022-05-16. Review status: criteria provided, single submitter. Criteria: Invitae Variant Classification Sherloc (09022015). Collection method: clinical testing. Allele origin: germline.
Comment: This sequence change replaces methionine, which is neutral and non-polar, with isoleucine, which is neutral and non-polar, at codon 571 of the FBXL4 protein (p.Met571Ile). This variant is present in population databases (rs767419935, gnomAD 0.004%). This variant has not been reported in the literature in individuals affected with FBXL4-related conditions. ClinVar contains an entry for this variant (Variation ID: 437797). Algorithms developed to predict the effect of missense changes on protein structure and function (SIFT, PolyPhen-2, Align-GVGD) all suggest that this variant is likely to be tolerated. In summary, the available evidence is currently insufficient to determine the role of this variant in disease. Therefore, it has been classified as a Variant of Uncertain Significance.

Wong Mito Lab, Molecular and Human Genetics, Baylor College of Medicine
Classification: Uncertain significance for Mitochondrial DNA depletion syndrome 13. Last evaluated: 2017-08-10. Review status: criteria provided, single submitter. Criteria: ACMG Guidelines, 2015. Collection method: reference population. Allele origin: germline.
Comment: The NM_012160.4:c.1713G>A (NP_036292.2:p.Met571Ile) [GRCH38: NC_000006.12:g.98874431C>T] variant in FBXL4 gene is interpretated to be a Uncertain Significance - Conflicting Evidence based on ACMG guidelines (PMID: 25741868). This variant meets one or more of the following evidence codes reported in the ACMG-guideline. PM2:This variant is absent in key population databases. BP4:Computational evidence/predictors indicate no impact on the FBXL4 structure, function, or protein-protein interaction. Based on this evidence code ClinGen Pathogenicity Calculator (PMID:28081714) suggested that the variant is Uncertain Significance - Conflicting Evidence.

NM_001278716.2(FBXL4):c.1713G>A (p.Met571Ile)

Gene: FBXL4 (F-box and leucine rich repeat protein 4; minus strand). Cytogenetic location: 6q16.1.
Variant type: single nucleotide variant.
Coding change: c.1713G>A on transcript NM_001278716.2 (MANE Select); coding-DNA position 1713, G replaced by A.
Protein change: p.Met571Ile; replaces methionine 571 with isoleucine.
Molecular consequence: missense variant. On other transcripts: non-coding transcript variant (1).
Genome position (GRCh38, 1-based): chr6:98,874,431, C>T on the plus strand (G>A on the coding strand, the complement: FBXL4 is on the minus strand). VCF-style: chr6-98874431-C-T. GRCh37 (hg19) VCF-style: chr6-99322307-C-T.
Other names: c.1713G>A, p.Met571Ile (NM_012160.5); short protein forms M571I.
Identifiers: ClinVar variation 437797 (VCV000437797.4), dbSNP rs767419935, ClinGen allele CA3933360.
Genomic context (GRCh38, chr6:98,874,431, plus strand): 5'-ATCAAGTAAAGAAAGATCTTTACAAGATTCCAGGAGTTTTCTTAAGGATGCCGGACTTAC[C>T]ATTCTTGTTCCTATTTAAGGGAAACAAAACAAAACAAAACAAAACACCTTAAGTATAACA-3'
Protein context (NP_001265645.1, residues 561-581): LQQLDILGTR[Met571Ile]VSPASLRKLL